The following is an entry in ClinVar:

NM_001005242.3(PKP2):c.604dup (p.Val202fs)

Gene: PKP2 (plakophilin 2; minus strand). Cytogenetic location: 12p11.21.
Variant type: Duplication.
Coding change: c.604dup on transcript NM_001005242.3 (MANE Select); coding-DNA position 604, one base duplicated (G; older notation c.604dupG).
Protein change: p.Val202fs; shifts the reading frame from valine 202.
Molecular consequence: frameshift variant.
Genome position (GRCh38, 1-based): chr12:32,878,276, C duplicated on the plus strand (G on the coding strand, the reverse complement: PKP2 is on the minus strand); the first of 5 consecutive C bases (chr12:32,878,276-32,878,280); duplicating any one gives the same sequence. VCF-style (leftmost placement, unchanged base first): chr12-32878275-A-AC. GRCh37 (hg19) VCF-style: chr12-33031209-A-AC.
Other names: c.604dupG (NM_004572.3); c.604dup, p.Val202fs (NM_001407155.1, NM_001407156.1, NM_001407157.1 and 2 more transcripts); c.277dup, p.Val93fs (NM_001407158.1, NM_001407159.1, NM_001407160.1 and 1 more transcripts); short protein forms V202fs, V93fs.
Identifiers: ClinVar variation 2735826 (VCV002735826.4), dbSNP rs747504380, ClinGen allele CA2695216198.

ClinVar aggregate classification (germline): Pathogenic. Review status: criteria provided, multiple submitters, no conflicts (2 of 4 stars). 2 submissions from 2 submitters: Pathogenic (2). Last evaluated 2026-05-01.

Conditions:
Cardiovascular phenotype. Identifiers: MedGen CN230736.
Arrhythmogenic right ventricular dysplasia 9 (ARVD9). Also called: Arrhythmogenic Right Ventricular Dysplasia/Cardiomyopathy 9; ARRHYTHMOGENIC RIGHT VENTRICULAR DYSPLASIA, FAMILIAL, 9. Identifiers: MedGen C1836906, MONDO:0012180, OMIM 609040.

Submissions (2):

Ambry Genetics
Classification: Pathogenic for Cardiovascular phenotype. Last evaluated: 2026-05-01. Review status: criteria provided, single submitter. Criteria: Ambry Variant Classification Scheme 2023. Collection method: clinical testing. Allele origin: germline.
Comment: The c.604dupG pathogenic mutation, located in coding exon 3 of the PKP2 gene, results from a duplication of G at nucleotide position 604, causing a translational frameshift with a predicted alternate stop codon (p.V202Gfs*14). This variant was reported in an individual with arrhythmogenic cardiomyopathy (Campuzano O et al. EBioMedicine, 2020 Apr;54:102732). This variant is considered to be rare based on population cohorts in the Genome Aggregation Database (gnomAD). This alteration is expected to result in loss of function by premature protein truncation or nonsense-mediated mRNA decay. As such, this alteration is interpreted as a disease-causing mutation.

Labcorp Genetics (formerly Invitae), Labcorp
Classification: Pathogenic for Arrhythmogenic right ventricular dysplasia 9. Last evaluated: 2023-08-30. Review status: criteria provided, single submitter. Criteria: Invitae Variant Classification Sherloc (09022015). Collection method: clinical testing. Allele origin: germline.
Comment: For these reasons, this variant has been classified as Pathogenic. This premature translational stop signal has been observed in individual(s) with arrhythmogenic right ventricular cardiomyopathy (PMID: 24967631). This variant is not present in population databases (gnomAD no frequency). This sequence change creates a premature translational stop signal (p.Val202Glyfs*14) in the PKP2 gene. It is expected to result in an absent or disrupted protein product. Loss-of-function variants in PKP2 are known to be pathogenic (PMID: 15489853, 23911551).

Literature cited by the submitters: PubMed 32268277 (cited by Ambry Genetics); PubMed 24967631 (cited by Labcorp Genetics (formerly Invitae), Labcorp); PubMed 15489853 (cited by Labcorp Genetics (formerly Invitae), Labcorp); PubMed 23911551 (cited by Labcorp Genetics (formerly Invitae), Labcorp).